The following is an entry in ClinVar:

ClinVar aggregate classification (germline): Conflicting classifications of pathogenicity. Review status: criteria provided, conflicting classifications (1 of 4 stars). 2 submissions from 2 submitters: Uncertain significance (1); Likely benign (1). Last evaluated 2025-12-04.

Conditions:
Epileptic encephalopathy. Identifiers: MedGen C0543888, HP:0200134.

Allele frequency attached by ClinVar (database versions not stated): gnomAD exomes 0.00001 and 0.00002; ExAC 0.00002; TOPMed 0.00002; gnomAD 0.00003 and 0.00004.
gnomAD v4.1: 24 of 1,590,472 alleles (0.0015%); highest among the groups gnomAD compares: Middle Eastern, 0.017%; no homozygotes.

Submissions (2):

Ambry Genetics
Classification: Likely benign. Last evaluated: 2025-12-04. Review status: criteria provided, single submitter. Criteria: Ambry Variant Classification Scheme 2023. Collection method: clinical testing. Allele origin: germline.

Labcorp Genetics (formerly Invitae), Labcorp
Classification: Uncertain significance for Epileptic encephalopathy. Last evaluated: 2025-08-18. Review status: criteria provided, single submitter. Criteria: Invitae Variant Classification Sherloc (09022015). Collection method: clinical testing. Allele origin: germline.
Comment: This sequence change replaces valine, which is neutral and non-polar, with methionine, which is neutral and non-polar, at codon 2176 of the FASN protein (p.Val2176Met). The frequency data for this variant in the population databases is considered unreliable, as metrics indicate poor data quality at this position in the gnomAD database. This variant has not been reported in the literature in individuals affected with FASN-related conditions. ClinVar contains an entry for this variant (Variation ID: 1395993). An algorithm developed to predict the effect of missense changes on protein structure and function outputs the following: PolyPhen-2: "Benign". The methionine amino acid residue is found in multiple mammalian species, which suggests that this missense change does not adversely affect protein function. In summary, the available evidence is currently insufficient to determine the role of this variant in disease. Therefore, it has been classified as a Variant of Uncertain Significance.

NM_004104.5(FASN):c.6526G>A (p.Val2176Met)

Gene: FASN (fatty acid synthase; minus strand). Cytogenetic location: 17q25.3.
Variant type: single nucleotide variant.
Coding change: c.6526G>A on transcript NM_004104.5 (MANE Select); coding-DNA position 6526, G replaced by A.
Protein change: p.Val2176Met; replaces valine 2176 with methionine.
Molecular consequence: missense variant.
Genome position (GRCh38, 1-based): chr17:82,081,233, C>T on the plus strand (G>A on the coding strand, the complement: FASN is on the minus strand). VCF-style: chr17-82081233-C-T. GRCh37 (hg19) VCF-style: chr17-80039109-C-T.
Other names: c.6526G>A (NM_004104.4); short protein forms V2176M.
Identifiers: ClinVar variation 1395993 (VCV001395993.9), dbSNP rs778511525, ClinGen allele CA8851277.